The following is an entry in ClinVar:

NM_018076.5(ODAD2):c.2744del (p.Asn914_Leu915insTer)

Gene: ODAD2 (outer dynein arm docking complex subunit 2; minus strand). Cytogenetic location: 10p12.1.
Variant type: Deletion.
Coding change: c.2744del on transcript NM_018076.5 (MANE Select); coding-DNA position 2744, one base deleted (T; older notation c.2744delT).
Protein change: p.Asn914_Leu915insTer.
Molecular consequence: nonsense.
Genome position (GRCh38, 1-based): chr10:27,862,489, A deleted on the plus strand (T on the coding strand, the reverse complement: ODAD2 is on the minus strand); the first of 3 consecutive A bases (chr10:27,862,489-27,862,491); deleting any one gives the same sequence. VCF-style (leftmost placement, unchanged base first): chr10-27862488-TA-T. GRCh37 (hg19) VCF-style: chr10-28151417-TA-T.
Other names: c.2744del, p.Asn914_Leu915insTer (NM_001290020.2); c.1319del, p.Asn439_Leu440insTer (NM_001290021.2); c.1820del, p.Asn606_Leu607insTer (NM_001312689.2).
Identifiers: ClinVar variation 4853919 (VCV004853919.1).

ClinVar aggregate classification (germline): Pathogenic (1 of 4 stars; one submission).

Conditions:
Primary ciliary dyskinesia 23 (CILD23). Also called: CILIARY DYSKINESIA, PRIMARY, 23, WITH OR WITHOUT SITUS INVERSUS. Identifiers: Orphanet 244, MedGen C3809548, MONDO:0014193, OMIM 615451.

Submission:

3billion
Classification: Pathogenic for Primary ciliary dyskinesia 23. Last evaluated: 2025-10-13. Review status: criteria provided, single submitter. Criteria: ACMG Guidelines, 2015. Collection method: clinical testing. Allele origin: germline. Affected: yes.
Comment: The variant is not observed in the gnomAD v4.1.0 dataset. Predicted Consequence/Location: Stop-gained (nonsense): predicted to result in a loss or disruption of normal protein function through nonsense-mediated decay (NMD) or protein truncation. Multiple pathogenic variants are reported downstream of the variant. The variant has been reported to be associated with ODAD2-related disorder (PMID: 26139845). Therefore, this variant is classified as Pathogenic according to the recommendation of ACMG/AMP guideline.

Literature cited by the submitters: PubMed 26139845.